The following is an entry in ClinVar:

ClinVar aggregate classification (germline): Uncertain significance. Review status: criteria provided, multiple submitters, no conflicts (2 of 4 stars). 2 submissions from 2 submitters: Uncertain significance (2). Last evaluated 2024-10-28.

Conditions:
Tay-Sachs disease, variant AB. Also called: GM2 Activator Deficiency; Gm2-gangliosidosis, ab variant. Identifiers: Orphanet 309246, MedGen C0268275, MONDO:0010099, OMIM 272750.
Inborn genetic diseases. Identifiers: MedGen C0950123, MeSH D030342.

Allele frequency attached by ClinVar (database versions not stated): TOPMed 0.00001.
gnomAD v4.1: 25 of 1,614,154 alleles (0.0015%); highest among the groups gnomAD compares: Non-Finnish European, 0.0021%; no homozygotes.

Submissions (2):

Ambry Genetics
Classification: Uncertain significance for Inborn genetic diseases. Last evaluated: 2024-10-28. Review status: criteria provided, single submitter. Criteria: Ambry Variant Classification Scheme 2023. Collection method: clinical testing. Allele origin: germline.

Labcorp Genetics (formerly Invitae), Labcorp
Classification: Uncertain significance for Tay-Sachs disease, variant AB. Last evaluated: 2022-05-14. Review status: criteria provided, single submitter. Criteria: Invitae Variant Classification Sherloc (09022015). Collection method: clinical testing. Allele origin: germline.
Comment: In summary, the available evidence is currently insufficient to determine the role of this variant in disease. Therefore, it has been classified as a Variant of Uncertain Significance. Algorithms developed to predict the effect of missense changes on protein structure and function (SIFT, PolyPhen-2, Align-GVGD) all suggest that this variant is likely to be disruptive. This variant has not been reported in the literature in individuals affected with GM2A-related conditions. This variant is present in population databases (rs761616890, gnomAD 0.007%). This sequence change replaces arginine, which is basic and polar, with serine, which is neutral and polar, at codon 169 of the GM2A protein (p.Arg169Ser).

NM_000405.5(GM2A):c.505C>A (p.Arg169Ser)

Gene: GM2A (ganglioside GM2 activator; plus strand). Cytogenetic location: 5q33.1.
Variant type: single nucleotide variant.
Coding change: c.505C>A on transcript NM_000405.5 (MANE Select); coding-DNA position 505, C replaced by A.
Protein change: p.Arg169Ser; replaces arginine 169 with serine.
Molecular consequence: missense variant. On other transcripts: intron variant (1).
Genome position (GRCh38, 1-based): chr5:151,267,374, C>A. VCF-style: chr5-151267374-C-A. GRCh37 (hg19) VCF-style: chr5-150646935-C-A.
Other names: c.413-118C>A (NM_001167607.3); c.505C>A (NM_000405.4); short protein forms R169S.
Identifiers: ClinVar variation 1904672 (VCV001904672.6), dbSNP rs761616890, ClinGen allele CA3517985.